The following is an entry in ClinVar:

NM_001145026.2(PTPRQ):c.1034C>G (p.Pro345Arg)

Gene: PTPRQ (protein tyrosine phosphatase receptor type Q; plus strand). Cytogenetic location: 12q21.31.
Variant type: single nucleotide variant.
Coding change: c.1034C>G on transcript NM_001145026.2 (MANE Select); coding-DNA position 1034, C replaced by G.
Protein change: p.Pro345Arg; replaces proline 345 with arginine.
Molecular consequence: missense variant.
Genome position (GRCh38, 1-based): chr12:80,468,833, C>G. VCF-style: chr12-80468833-C-G. GRCh37 (hg19) VCF-style: chr12-80862612-C-G.
Other names: short protein forms P345R.
Identifiers: ClinVar variation 2572797 (VCV002572797.3), dbSNP rs1416087693, ClinGen allele CA385879862.

ClinVar aggregate classification (germline): Uncertain significance. Review status: criteria provided, multiple submitters, no conflicts (2 of 4 stars). 3 submissions from 3 submitters: Uncertain significance (3). Last evaluated 2026-07-02.

Conditions:
PTPRQ-related disorder. Also called: PTPRQ-related condition.

gnomAD v4.1: 12 of 1,547,310 alleles (0.00078%); highest among the groups gnomAD compares: East Asian, 0.027%; no homozygotes.

Submissions (3):

PreventionGenetics, part of Exact Sciences
Classification: Uncertain significance for PTPRQ-related condition. Last evaluated: 2026-07-02. Review status: criteria provided, single submitter. Criteria: ACMG Guidelines, 2015. Collection method: clinical testing. Allele origin: germline.
Comment: The PTPRQ c.1034C>G variant is predicted to result in the amino acid substitution p.Pro345Arg. To our knowledge, this variant has not been reported in the literature. This variant is reported in 0.041% of alleles in individuals of East Asian descent in gnomAD. At this time, the clinical significance of this variant is uncertain due to the absence of conclusive functional and genetic evidence.

Blueprint Genetics
Classification: Uncertain significance. Last evaluated: 2023-09-04. Review status: criteria provided, single submitter. Criteria: ACMG Guidelines, 2015. Collection method: clinical testing. Allele origin: germline.

GeneDx
Classification: Uncertain significance. Last evaluated: 2023-01-11. Review status: criteria provided, single submitter. Criteria: GeneDx Variant Classification Process June 2021. Collection method: clinical testing. Allele origin: germline. Affected: yes.
Comment: In silico analysis supports that this missense variant has a deleterious effect on protein structure/function; Has not been previously published as pathogenic or benign to our knowledge